The following is an entry in ClinVar:

ClinVar aggregate classification (germline): Likely pathogenic (1 of 4 stars; one submission).

Conditions:
Developmental and epileptic encephalopathy, 25 (DEE25). Also called: Developmental and epileptic encephalopathy 25, with amelogenesis imperfecta; Epileptic encephalopathy, early infantile, 25, with amelogenesis imperfecta; Epileptic encephalopathy, early infantile, 25. Identifiers: Orphanet 442835, MedGen C4014621, MONDO:0014392, OMIM 615905.

Submission:

Labcorp Genetics (formerly Invitae), Labcorp
Classification: Likely pathogenic for Developmental and epileptic encephalopathy, 25. Last evaluated: 2022-03-04. Review status: criteria provided, single submitter. Criteria: Invitae Variant Classification Sherloc (09022015). Collection method: clinical testing. Allele origin: germline.
Comment: This sequence change affects an acceptor splice site in intron 10 of the SLC13A5 gene. It is expected to disrupt RNA splicing. Variants that disrupt the donor or acceptor splice site typically lead to a loss of protein function (PMID: 16199547), and loss-of-function variants in SLC13A5 are known to be pathogenic (PMID: 24995870, 26384929). This variant is not present in population databases (gnomAD no frequency). This variant has not been reported in the literature in individuals affected with SLC13A5-related conditions. Algorithms developed to predict the effect of sequence changes on RNA splicing suggest that this variant may disrupt the consensus splice site. In summary, the currently available evidence indicates that the variant is pathogenic, but additional data are needed to prove that conclusively. Therefore, this variant has been classified as Likely Pathogenic.

Literature cited by the submitters: PubMed 16199547; PubMed 24995870; PubMed 26384929.

NM_177550.5(SLC13A5):c.1438-2A>G

Gene: SLC13A5 (solute carrier family 13 member 5; minus strand). Cytogenetic location: 17p13.1.
Variant type: single nucleotide variant.
Coding change: c.1438-2A>G on transcript NM_177550.5 (MANE Select); the canonical splice acceptor site of the intron before coding-DNA position 1438, A replaced by G.
Molecular consequence: splice acceptor variant. On other transcripts: intron variant (1).
Genome position (GRCh38, 1-based): chr17:6,687,668, T>C on the plus strand (A>G on the coding strand, the complement: SLC13A5 is on the minus strand). VCF-style: chr17-6687668-T-C. GRCh37 (hg19) VCF-style: chr17-6590987-T-C.
Other names: c.1309-2A>G (NM_001284510.2); c.1387-2A>G (NM_001284509.2); c.1438-1330A>G (NM_001143838.3).
Identifiers: ClinVar variation 2106225 (VCV002106225.4), dbSNP rs2544605962, ClinGen allele CA397738527.
Genomic context (GRCh38, chr17:6,687,668, plus strand): 5'-GAGGCACTCAGGGTACAGGGCAGCATGATGTACAGCGGATTGAGGCCGATGGAGCGAGAC[T>C]GCGGAAAAACAGCACTGCAACATCACCGTACAGAACACAGAAGCTCTTGGGGACGTGATT-3'